The following is an entry in ClinVar:

NM_001352514.2(HLCS):c.2415C>T (p.Ser805=)

Gene: HLCS (holocarboxylase synthetase; minus strand). Cytogenetic location: 21q22.13.
Variant type: single nucleotide variant.
Coding change: c.2415C>T on transcript NM_001352514.2 (MANE Select); coding-DNA position 2415, C replaced by T.
Protein change: p.Ser805=; no amino-acid change (serine 805 retained).
Molecular consequence: synonymous variant. On other transcripts: non-coding transcript variant (2).
Genome position (GRCh38, 1-based): chr21:36,756,577, G>A on the plus strand (C>T on the coding strand, the complement: HLCS is on the minus strand). VCF-style: chr21-36756577-G-A. GRCh37 (hg19) VCF-style: chr21-38128878-G-A.
Other names: c.1974C>T, p.Ser658= (NM_000411.8, NM_001242784.3, NM_001242785.2 and 4 more transcripts).
Identifiers: ClinVar variation 506818 (VCV000506818.13), dbSNP rs370117126, ClinGen allele CA10020273.

ClinVar aggregate classification (germline): Benign/Likely benign. Review status: criteria provided, multiple submitters, no conflicts (2 of 4 stars). 3 submissions from 3 submitters: Benign (1); Likely benign (2). Last evaluated 2026-01-25.

Conditions:
Holocarboxylase synthetase deficiency. Also called: MULTIPLE CARBOXYLASE DEFICIENCY, EARLY ONSET. Identifiers: Orphanet 79242, MedGen C0268581, MONDO:0009666, OMIM 253270.

Allele frequency attached by ClinVar (database versions not stated): gnomAD 0.00009 and 0.00013; TOPMed 0.00009; gnomAD exomes 0.00014; ESP Exome Variant Server 0.00015; ExAC 0.00019; 1000 Genomes Project 30x 0.00047; 1000 Genomes Project 0.00060.
gnomAD v4.1: 206 of 1,613,180 alleles (0.013%); highest among the groups gnomAD compares: South Asian, 0.13%; 2 homozygotes.

Submissions (3):

Labcorp Genetics (formerly Invitae), Labcorp
Classification: Benign for Holocarboxylase synthetase deficiency. Last evaluated: 2026-01-25. Review status: criteria provided, single submitter. Criteria: Invitae Variant Classification Sherloc (09022015). Collection method: clinical testing. Allele origin: germline.

Blueprint Genetics
Classification: Likely benign. Last evaluated: 2024-10-01. Review status: criteria provided, single submitter. Criteria: ACMG Guidelines, 2015. Collection method: clinical testing. Allele origin: germline.

GeneDx
Classification: Likely benign. Last evaluated: 2017-01-31. Review status: criteria provided, single submitter. Criteria: GeneDx Variant Classification (06012015). Collection method: clinical testing. Allele origin: germline. Affected: yes.
Comment: This variant is considered likely benign or benign based on one or more of the following criteria: it is a conservative change, it occurs at a poorly conserved position in the protein, it is predicted to be benign by multiple in silico algorithms, and/or has population frequency not consistent with disease.